The following is an entry in ClinVar:

ClinVar aggregate classification (germline): Likely benign (0 of 4 stars; one submission).

Conditions:
VWA2-related disorder. Also called: VWA2-related condition.

Allele frequency attached by ClinVar (database versions not stated): gnomAD 0.00003; gnomAD exomes 0.00003; TOPMed 0.00003; ExAC 0.00005; ESP Exome Variant Server 0.00015; 1000 Genomes Project 30x 0.00016; 1000 Genomes Project 0.00020.
gnomAD v4.1: 21 of 1,573,976 alleles (0.0013%); highest among the groups gnomAD compares: East Asian, 0.041%; no homozygotes.

Submission:

PreventionGenetics, part of Exact Sciences
Classification: Likely benign for VWA2-related condition. Last evaluated: 2023-05-22. Review status: no assertion criteria provided. Collection method: clinical testing. Allele origin: germline.
Comment: This variant is classified as likely benign based on ACMG/AMP sequence variant interpretation guidelines (Richards et al. 2015 PMID: 25741868, with internal and published modifications).

NM_001272046.2(VWA2):c.1554C>T (p.Cys518=)

Genes: AFAP1L2 (actin filament associated protein 1 like 2; minus strand), VWA2 (von Willebrand factor A domain containing 2; plus strand). Cytogenetic location: 10q25.3.
Variant type: single nucleotide variant.
Coding change: c.1554C>T on transcript NM_001272046.2 (MANE Select); coding-DNA position 1554, C replaced by T.
Protein change: p.Cys518=; no amino-acid change (cysteine 518 retained).
Molecular consequence: synonymous variant.
Genome position (GRCh38, 1-based): chr10:114,286,495, C>T. VCF-style: chr10-114286495-C-T. GRCh37 (hg19) VCF-style: chr10-116046254-C-T.
Other names: c.1554C>T, p.Cys518= (NM_001320804.1).
Identifiers: ClinVar variation 3056283 (VCV003056283.2), dbSNP rs200785349, ClinGen allele CA5700726.